The following is an entry in ClinVar:

ClinVar aggregate classification (germline): Pathogenic. Review status: reviewed by expert panel (3 of 4 stars). 4 submissions from 4 submitters: Pathogenic (1). 3 of the submissions do not count toward it. Last evaluated 2016-10-18.

Conditions:
Breast-ovarian cancer, familial, susceptibility to, 2 (BROVCA2). Also called: BRCA2 Hereditary Breast and Ovarian Cancer. Identifiers: Orphanet 145, MedGen C2675520, MONDO:0012933, OMIM 612555. Disease mechanism: loss of function.
Hereditary cancer-predisposing syndrome. Also called: Hereditary neoplastic syndrome; Neoplastic Syndromes, Hereditary; Tumor predisposition; Hereditary Cancer Syndrome. Identifiers: Orphanet 140162, MedGen C0027672, MeSH D009386, MONDO:0015356.
Hereditary breast ovarian cancer syndrome. Also called: BRCA1- and BRCA2-Associated Hereditary Breast and Ovarian Cancer; Hereditary breast and ovarian cancer; Breast and ovarian cancer; Hereditary breast and/or ovarian cancer syndrome; Hereditary breast and ovarian cancer syndrome; Hereditary breast and ovarian cancer syndrome (HBOC). Identifiers: Orphanet 145, MedGen C0677776, MeSH D061325, MONDO:0003582. Disease mechanism: loss of function.

Submissions (4):

Evidence-based Network for the Interpretation of Germline Mutant Alleles (ENIGMA)
Classification: Pathogenic for Breast-ovarian cancer, familial, susceptibility to, 2. Last evaluated: 2016-10-18. Review status: reviewed by expert panel. Criteria: ENIGMA BRCA1/2 Classification Criteria (2015). Collection method: curation. Allele origin: germline.
Comment: Variant allele predicted to encode a truncated non-functional protein.

Ambry Genetics
Classification: Pathogenic for Hereditary cancer-predisposing syndrome. Last evaluated: 2023-05-15. Review status: criteria provided, single submitter. Criteria: Ambry Variant Classification Scheme 2023. Collection method: clinical testing. Allele origin: germline. Not counted in ClinVar's aggregate classification.
Comment: The c.6225dupA pathogenic mutation, located in coding exon 10 of the BRCA2 gene, results from a duplication of A at nucleotide position 6225, causing a translational frameshift with a predicted alternate stop codon (p.V2076Sfs*2). This alteration was identified in a large, worldwide study of BRCA1/2 mutation positive families (Rebbeck TR et al. Hum Mutat, 2018 May;39:593-620). This variant is considered to be rare based on population cohorts in the Genome Aggregation Database (gnomAD). In addition to the clinical data presented in the literature, this alteration is expected to result in loss of function by premature protein truncation or nonsense-mediated mRNA decay. As such, this alteration is interpreted as a disease-causing mutation.

Labcorp Genetics (formerly Invitae), Labcorp
Classification: Pathogenic for Hereditary breast ovarian cancer syndrome. Last evaluated: 2021-10-24. Review status: criteria provided, single submitter. Criteria: Invitae Variant Classification Sherloc (09022015). Collection method: clinical testing. Allele origin: germline. Not counted in ClinVar's aggregate classification.
Comment: This sequence change creates a premature translational stop signal (p.Val2076Serfs*2) in the BRCA2 gene. It is expected to result in an absent or disrupted protein product. Loss-of-function variants in BRCA2 are known to be pathogenic (PMID: 20104584). This variant is not present in population databases (gnomAD no frequency). This variant has not been reported in the literature in individuals affected with BRCA2-related conditions. ClinVar contains an entry for this variant (Variation ID: 266930). For these reasons, this variant has been classified as Pathogenic.

Consortium of Investigators of Modifiers of BRCA1/2 (CIMBA), c/o University of Cambridge
Classification: Pathogenic for Breast-ovarian cancer, familial, susceptibility to, 2. Last evaluated: 2015-10-02. Review status: criteria provided, single submitter. Criteria: CIMBA Mutation Classification guidelines May 2016. Collection method: clinical testing. Allele origin: germline. Not counted in ClinVar's aggregate classification.

Literature cited by the submitters: PubMed 29446198 (cited by Ambry Genetics); PubMed 20104584 (cited by Labcorp Genetics (formerly Invitae), Labcorp).

NM_000059.4(BRCA2):c.6225dup (p.Val2076fs)

Gene: BRCA2 (BRCA2 DNA repair associated; plus strand). Cytogenetic location: 13q13.1.
Variant type: Duplication.
Coding change: c.6225dup on transcript NM_000059.4 (MANE Select); coding-DNA position 6225, one base duplicated (A; older notation c.6225dupA).
Protein change: p.Val2076fs; shifts the reading frame from valine 2076.
Molecular consequence: frameshift variant.
Genome position (GRCh38, 1-based): chr13:32,340,580, A duplicated; the last of 3 consecutive A bases (chr13:32,340,578-32,340,580); duplicating any one gives the same sequence. VCF-style (leftmost placement, unchanged base first): chr13-32340577-C-CA. GRCh37 (hg19) VCF-style: chr13-32914714-C-CA.
Other names: 6453insA; c.6225dupA (NM_000059.3); short protein forms V2076fs.
Identifiers: ClinVar variation 266930 (VCV000266930.10), dbSNP rs886040641, ClinGen allele CA10589360.